The following is an entry in ClinVar:

NM_018194.6(HHAT):c.1180C>T (p.Leu394=)

Gene: HHAT (hedgehog acyltransferase; plus strand). Cytogenetic location: 1q32.2.
Variant type: single nucleotide variant.
Coding change: c.1180C>T on transcript NM_018194.6 (MANE Select); coding-DNA position 1180, C replaced by T.
Protein change: p.Leu394=; no amino-acid change (leucine 394 retained).
Molecular consequence: synonymous variant.
Genome position (GRCh38, 1-based): chr1:210,588,034, C>T. VCF-style: chr1-210588034-C-T. GRCh37 (hg19) VCF-style: chr1-210761378-C-T.
Other names: c.1180C>T, p.Leu394= (NM_001122834.4, NM_001170580.3); c.769C>T, p.Leu257= (NM_001170564.3); c.1183C>T, p.Leu395= (NM_001170587.3); c.985C>T, p.Leu329= (NM_001170588.3).
Identifiers: ClinVar variation 1576527 (VCV001576527.33), dbSNP rs75401104, ClinGen allele CA1379391.

ClinVar aggregate classification (germline): Benign/Likely benign. Review status: criteria provided, multiple submitters, no conflicts (2 of 4 stars). 3 submissions from 3 submitters: Benign (2); Likely benign (1). Last evaluated 2025-11-09.

Allele frequency attached by ClinVar (database versions not stated): ESP Exome Variant Server 0.00008; gnomAD exomes 0.00050 and 0.00131; gnomAD 0.00053 and 0.00069; TOPMed 0.00060; ExAC 0.00134; 1000 Genomes Project 0.00280; 1000 Genomes Project 30x 0.00328.
gnomAD v4.1: 842 of 1,613,860 alleles (0.052%); highest among the groups gnomAD compares: East Asian, 1.3%; 7 homozygotes.

Submissions (3):

Labcorp Genetics (formerly Invitae), Labcorp
Classification: Benign. Last evaluated: 2025-11-09. Review status: criteria provided, single submitter. Criteria: Invitae Variant Classification Sherloc (09022015). Collection method: clinical testing. Allele origin: germline.

CeGaT Center for Human Genetics Tuebingen
Classification: Likely benign. Last evaluated: 2025-04-01. Review status: criteria provided, single submitter. Criteria: CeGaT Center For Human Genetics Tuebingen Variant Classification Criteria Version 2. Collection method: clinical testing. Allele origin: germline. Affected: yes. Observed: 2 variant alleles.
Comment: HHAT: BP4, BP7, BS1

Breakthrough Genomics
Classification: Benign. Review status: criteria provided, single submitter. Criteria: ACMG Guidelines, 2015. Collection method: not provided. Allele origin: germline. Inheritance: Autosomal recessive inheritance. Affected: yes.